The following is an entry in ClinVar:

ClinVar aggregate classification (germline): Pathogenic (1 of 4 stars; one submission).

Conditions:
Hereditary cancer-predisposing syndrome. Also called: Hereditary neoplastic syndrome; Hereditary Cancer Syndrome; Neoplastic Syndromes, Hereditary; Tumor predisposition. Identifiers: Orphanet 140162, MedGen C0027672, MeSH D009386, MONDO:0015356.

Submission:

Color Diagnostics, LLC DBA Color Health
Classification: Pathogenic for Hereditary cancer-predisposing syndrome. Last evaluated: 2022-03-16. Review status: criteria provided, single submitter. Criteria: ACMG Guidelines, 2015. Collection method: clinical testing. Allele origin: germline.
Comment: This variant deletes 1 nucleotide in exon 6 of the APC gene, creating a frameshift and premature translation stop signal. This variant is expected to result in an absent or non-functional protein product. To our knowledge, this variant has not been reported in individuals affected with hereditary cancer in the literature. This variant has not been identified in the general population by the Genome Aggregation Database (gnomAD). Loss of APC function is a known mechanism of disease. Based on the available evidence, this variant is classified as Pathogenic.

NM_000038.6(APC):c.546del (p.Asp183fs)

Gene: APC (APC regulator of Wnt signaling pathway; plus strand). Cytogenetic location: 5q22.2.
Variant type: Deletion.
Coding change: c.546del on transcript NM_000038.6 (MANE Select); coding-DNA position 546, one base deleted (A; older notation c.546delA).
Protein change: p.Asp183fs; shifts the reading frame from aspartic acid 183.
Molecular consequence: frameshift variant. On other transcripts: 5 prime UTR variant (4), non-coding transcript variant (2).
Genome position (GRCh38, 1-based): chr5:112,780,804, A deleted. VCF-style (leftmost placement, unchanged base first): chr5-112780803-CA-C. GRCh37 (hg19) VCF-style: chr5-112116500-CA-C.
Other names: c.546del, p.Asp183fs (NM_001127510.3, NM_001354895.2, NM_001354896.2 and 16 more transcripts); c.576del, p.Asp193fs (NM_001127511.3, NM_001354897.2, NM_001354902.2 and 1 more transcripts); c.471del, p.Asp158fs (NM_001354898.2, NM_001354904.2, NM_001407451.1); c.369del, p.Asp124fs (NM_001354900.2, NM_001354901.2, NM_001354905.2 and 1 more transcripts); c.-490del (NM_001354906.2, NM_001407470.1, NM_001407471.1 and 1 more transcripts); short protein forms D124fs, D183fs, D158fs, D193fs.
Identifiers: ClinVar variation 2774037 (VCV002774037.2), dbSNP rs2532485310, ClinGen allele CA2697546425.